The following is an entry in ClinVar:

NM_001035.3(RYR2):c.295-7C>G

Gene: RYR2 (ryanodine receptor 2; plus strand). Cytogenetic location: 1q43.
Variant type: single nucleotide variant.
Coding change: c.295-7C>G on transcript NM_001035.3 (MANE Select); 7 bases into the intron before coding-DNA position 295, C replaced by G.
Molecular consequence: intron variant.
Genome position (GRCh38, 1-based): chr1:237,364,351, C>G. VCF-style: chr1-237364351-C-G. GRCh37 (hg19) VCF-style: chr1-237527651-C-G.
Identifiers: ClinVar variation 3619785 (VCV003619785.2).

ClinVar aggregate classification (germline): Uncertain significance (1 of 4 stars; one submission).

Conditions:
Catecholaminergic polymorphic ventricular tachycardia 1. Also called: VENTRICULAR TACHYCARDIA, STRESS-INDUCED POLYMORPHIC 1; VENTRICULAR TACHYCARDIA, CATECHOLAMINERGIC POLYMORPHIC, 1, WITH OR WITHOUT ATRIAL DYSFUNCTION AND/OR DILATED CARDIOMYOPATHY; RYR2-Related Catecholaminergic Polymorphic Ventricular Tachycardia. Identifiers: Orphanet 3286, MedGen C1631597, MONDO:0011484, OMIM 604772.

Submission:

Labcorp Genetics (formerly Invitae), Labcorp
Classification: Uncertain significance for Catecholaminergic polymorphic ventricular tachycardia 1. Last evaluated: 2025-01-21. Review status: criteria provided, single submitter. Criteria: Invitae Variant Classification Sherloc (09022015). Collection method: clinical testing. Allele origin: germline.
Comment: This sequence change falls in intron 4 of the RYR2 gene. It does not directly change the encoded amino acid sequence of the RYR2 protein. This variant is not present in population databases (gnomAD no frequency). This variant has not been reported in the literature in individuals affected with RYR2-related conditions. Algorithms developed to predict the effect of sequence changes on RNA splicing suggest that this variant may create or strengthen a splice site. In summary, the available evidence is currently insufficient to determine the role of this variant in disease. Therefore, it has been classified as a Variant of Uncertain Significance.